The following is an entry in ClinVar:

NM_000037.4(ANK1):c.371T>A (p.Leu124Ter)

Gene: ANK1 (ankyrin 1; minus strand). Cytogenetic location: 8p11.21.
Variant type: single nucleotide variant.
Coding change: c.371T>A on transcript NM_000037.4 (MANE Select); coding-DNA position 371, T replaced by A.
Protein change: p.Leu124Ter; replaces leucine 124 with a stop codon.
Molecular consequence: nonsense.
Genome position (GRCh38, 1-based): chr8:41,727,305, A>T on the plus strand (T>A on the coding strand, the complement: ANK1 is on the minus strand). VCF-style: chr8-41727305-A-T. GRCh37 (hg19) VCF-style: chr8-41584823-A-T.
Other names: p.Leu124*; c.470T>A, p.Leu157Ter (NM_001142446.2); c.371T>A, p.Leu124Ter (NM_020475.3, NM_020476.3, NM_020477.3); short protein forms L124*, L157*.
Identifiers: ClinVar variation 2683406 (VCV002683406.1), dbSNP rs2486997376, ClinGen allele CA371045236.

ClinVar aggregate classification (germline): Pathogenic (1 of 4 stars; one submission).

Submission:

Mayo Clinic Laboratories, Mayo Clinic
Classification: Pathogenic. Last evaluated: 2022-07-21. Review status: criteria provided, single submitter. Criteria: ACMG Guidelines, 2015. Collection method: clinical testing. Allele origin: germline. Observed: 1 variant allele.
Comment: PM2, PS4_moderate, PVS1

Literature cited by the submitters: PubMed 32436265.